The following is an entry in ClinVar:

NM_005857.5(ZMPSTE24):c.1385T>G (p.Leu462Arg)

Gene: ZMPSTE24 (zinc metallopeptidase STE24; plus strand). Cytogenetic location: 1p34.2.
Variant type: single nucleotide variant.
Coding change: c.1385T>G on transcript NM_005857.5 (MANE Select); coding-DNA position 1385, T replaced by G.
Protein change: p.Leu462Arg; replaces leucine 462 with arginine.
Molecular consequence: missense variant.
Genome position (GRCh38, 1-based): chr1:40,292,626, T>G. VCF-style: chr1-40292626-T-G. GRCh37 (hg19) VCF-style: chr1-40758298-T-G.
Other names: c.1385T>G (LRG_212t1); short protein forms L462R.
Identifiers: ClinVar variation 140520 (VCV000140520.1), dbSNP rs281875378, ClinGen allele CA232738.

ClinVar aggregate classification (germline): Likely pathogenic. Review status: criteria provided, single submitter (1 of 4 stars). 2 submissions from 2 submitters: Likely pathogenic (1). 1 of the submissions does not count toward it. Last evaluated 2025-05-04.

Conditions:
Mandibuloacral dysplasia with type B lipodystrophy (MADB). Also called: LIPODYSTROPHY, TYPE B, ASSOCIATED WITH MANDIBULOACRAL DYSPLASIA. Identifiers: Orphanet 2457, Orphanet 90154, MedGen C1837756, MONDO:0012074, OMIM 608612.

Allele frequency attached by ClinVar (database versions not stated): gnomAD exomes below 0.00001 and 0.00001; gnomAD 0.00001; TOPMed 0.00002.
gnomAD v4.1: 3 of 1,614,024 alleles (0.00019%); highest among the groups gnomAD compares: African/African-American, 0.004%; no homozygotes.

Submissions (2):

Variantyx, Inc.
Classification: Likely pathogenic for Mandibuloacral dysplasia with type B lipodystrophy. Last evaluated: 2025-05-04. Review status: criteria provided, single submitter. Criteria: Variantyx Assertion Criteria 2022. Collection method: clinical testing. Allele origin: germline. Inheritance: Autosomal recessive inheritance.
Comment: This is a nonsynonymous variant in the ZMPSTE24 gene (OMIM: 606480). Pathogenic variants in this gene have been associated with autosomal recessive restrictive dermopathy 1. The clinical symptoms reported for this individual are highly specific for autosomal recessive restrictive dermopathy 1, which has a limited genetic etiology (PP4). This variant has been reported in the homozygous or compound heterozygous state in at least one affected individual (PM3). Functional studies have shown that this variant alters ZMPSTE24 protein function (PMID: 29794150) (PS3_Supporting) and multiple computational algorithms predict a deleterious effect for this variant (REVEL score: 0.841) (PP3). This variant has a 0.0051% maximum allele frequency in non-founder control populations (PM2_Supporting). Based on the current evidence, this variant is classified as likely pathogenic for autosomal recessive restrictive dermopathy 1

ZMPSTE24 homepage - Leiden Muscular Dystrophy pages
No classification provided. Review status: no classification provided. Collection method: not provided. Allele origin: germline. Not counted in ClinVar's aggregate classification.
Comment: has functional consequence

Literature cited by the submitters: PubMed 29794150 (cited by Variantyx, Inc.).